The following is an entry in ClinVar:

ClinVar aggregate classification (germline): Likely benign (1 of 4 stars; one submission).

Conditions:
Succinyl-CoA acetoacetate transferase deficiency (SCOTD). Also called: 3-Oxoacid CoA Transferase Deficiency; KETOACIDOSIS DUE TO SCOT DEFICIENCY; SCOT DEFICIENCY; SUCCINYL-CoA:3-KETOACID CoA-TRANSFERASE DEFICIENCY; Succinyl CoA:3-oxoacid CoA transferase deficiency. Identifiers: Orphanet 832, MedGen C0342792, MONDO:0009492, OMIM 245050.

Allele frequency attached by ClinVar (database versions not stated): gnomAD 0.00006 and 0.00008; TOPMed 0.00008; 1000 Genomes Project 30x 0.00047; 1000 Genomes Project 0.00060.
gnomAD v4.1: 43 of 1,103,192 alleles (0.0039%); highest among the groups gnomAD compares: East Asian, 0.058%; no homozygotes.

Submission:

Illumina Laboratory Services, Illumina
Classification: Likely benign for Succinyl-CoA acetoacetate transferase deficiency. Last evaluated: 2018-01-13. Review status: criteria provided, single submitter. Criteria: ICSL Variant Classification Criteria 13 December 2019. Collection method: clinical testing. Allele origin: germline.
Comment: This variant was observed in the ICSL laboratory as part of a predisposition screen in an ostensibly healthy population. It had not been previously curated by ICSL or reported in the Human Gene Mutation Database (HGMD: prior to June 1st, 2018), and was therefore a candidate for classification through an automated scoring system. Utilizing variant allele frequency, disease prevalence and penetrance estimates, and inheritance mode, an automated score was calculated to assess if this variant is too frequent to cause the disease. Based on the score and internal cut-off values, a variant classified as likely benign is not then subjected to further curation. The score for this variant resulted in a classification of likely benign for this disease.

NM_000436.4(OXCT1):c.*157G>A

Gene: OXCT1 (3-oxoacid CoA-transferase 1; minus strand). Cytogenetic location: 5p13.1.
Variant type: single nucleotide variant.
Coding change: c.*157G>A on transcript NM_000436.4 (MANE Select); 157 bases downstream of the stop codon, G replaced by A.
Molecular consequence: 3 prime UTR variant. On other transcripts: non-coding transcript variant (1).
Genome position (GRCh38, 1-based): chr5:41,731,572, C>T on the plus strand (G>A on the coding strand, the complement: OXCT1 is on the minus strand). VCF-style: chr5-41731572-C-T. GRCh37 (hg19) VCF-style: chr5-41731674-C-T.
Other names: c.*157G>A (NM_001364299.2, NM_001364300.2, NM_001364301.2 and 2 more transcripts).
Identifiers: ClinVar variation 353653 (VCV000353653.5), dbSNP rs555729750, ClinGen allele CA10620457.